The following is an entry in ClinVar:

ClinVar aggregate classification (germline): Likely benign (1 of 4 stars; one submission).

Conditions:
Succinyl-CoA acetoacetate transferase deficiency (SCOTD). Also called: 3-Oxoacid CoA Transferase Deficiency; Succinyl CoA:3-oxoacid CoA transferase deficiency; KETOACIDOSIS DUE TO SCOT DEFICIENCY; SCOT DEFICIENCY; SUCCINYL-CoA:3-KETOACID CoA-TRANSFERASE DEFICIENCY. Identifiers: Orphanet 832, MedGen C0342792, MONDO:0009492, OMIM 245050.

Allele frequency attached by ClinVar (database versions not stated): gnomAD 0.00015 and 0.00023; TOPMed 0.00019; 1000 Genomes Project 30x 0.00078; 1000 Genomes Project 0.00080.

Submission:

Illumina Laboratory Services, Illumina
Classification: Likely benign for Succinyl-CoA acetoacetate transferase deficiency. Last evaluated: 2018-01-13. Review status: criteria provided, single submitter. Criteria: ICSL Variant Classification Criteria 13 December 2019. Collection method: clinical testing. Allele origin: germline.
Comment: This variant was observed in the ICSL laboratory as part of a predisposition screen in an ostensibly healthy population. It had not been previously curated by ICSL or reported in the Human Gene Mutation Database (HGMD: prior to June 1st, 2018), and was therefore a candidate for classification through an automated scoring system. Utilizing variant allele frequency, disease prevalence and penetrance estimates, and inheritance mode, an automated score was calculated to assess if this variant is too frequent to cause the disease. Based on the score and internal cut-off values, a variant classified as likely benign is not then subjected to further curation. The score for this variant resulted in a classification of likely benign for this disease.

NM_000436.4(OXCT1):c.*1345A>G

Gene: OXCT1 (3-oxoacid CoA-transferase 1; minus strand). Cytogenetic location: 5p13.1.
Variant type: single nucleotide variant.
Coding change: c.*1345A>G on transcript NM_000436.4 (MANE Select); 1345 bases downstream of the stop codon, A replaced by G.
Molecular consequence: 3 prime UTR variant. On other transcripts: non-coding transcript variant (1).
Genome position (GRCh38, 1-based): chr5:41,730,384, T>C on the plus strand (A>G on the coding strand, the complement: OXCT1 is on the minus strand). VCF-style: chr5-41730384-T-C. GRCh37 (hg19) VCF-style: chr5-41730486-T-C.
Other names: c.*1345A>G (NM_001364299.2, NM_001364300.2, NM_001364301.2 and 2 more transcripts).
Identifiers: ClinVar variation 904184 (VCV000904184.4), dbSNP rs569333641, ClinGen allele CA117809965.
Genomic context (GRCh38, chr5:41,730,384, plus strand): 5'-CAGCCAGAAAGGCTGTTTTATATATGGTGTGTGTTACTCATAAAAAGCCTGTCCTTTCTC[T>C]AATATTGTACATTACACAATTGTAGCTACACCTGAAAAGAAGTGAGTTTCAATGACCATC-3'